The following is an entry in ClinVar:

NM_014846.4(WASHC5):c.1360G>T (p.Ala454Ser)

Gene: WASHC5 (WASH complex subunit 5; minus strand). Cytogenetic location: 8q24.13.
Variant type: single nucleotide variant.
Coding change: c.1360G>T on transcript NM_014846.4 (MANE Select); coding-DNA position 1360, G replaced by T.
Protein change: p.Ala454Ser; replaces alanine 454 with serine.
Molecular consequence: missense variant.
Genome position (GRCh38, 1-based): chr8:125,063,570, C>A on the plus strand (G>T on the coding strand, the complement: WASHC5 is on the minus strand). VCF-style: chr8-125063570-C-A. GRCh37 (hg19) VCF-style: chr8-126075812-C-A.
Other names: c.916G>T, p.Ala306Ser (NM_001330609.2); short protein forms A306S, A454S.
Identifiers: ClinVar variation 4791857 (VCV004791857.1).

ClinVar aggregate classification (germline): Uncertain significance (1 of 4 stars; one submission).

Conditions:
Ritscher-Schinzel syndrome. Also called: CRANIOCEREBELLOCARDIAC DYSPLASIA. Identifiers: Orphanet 7, MedGen C0796137, MONDO:0019078.
Hereditary spastic paraplegia 8 (SPG8). Also called: SPASTIC PARAPLEGIA 8, AUTOSOMAL DOMINANT. Identifiers: Orphanet 100989, MedGen C1863704, MONDO:0011339, OMIM 603563.

gnomAD v4.1: 4 of 1,614,004 alleles (0.00025%); highest among the groups gnomAD compares: East Asian, 0.0067%; no homozygotes.

Submission:

Labcorp Genetics (formerly Invitae), Labcorp
Classification: Uncertain significance for Ritscher-Schinzel syndrome; Hereditary spastic paraplegia 8. Last evaluated: 2025-09-11. Review status: criteria provided, single submitter. Criteria: Invitae Variant Classification Sherloc (09022015). Collection method: clinical testing. Allele origin: germline.
Comment: This sequence change replaces alanine, which is neutral and non-polar, with serine, which is neutral and polar, at codon 454 of the WASHC5 protein (p.Ala454Ser). This variant is present in population databases (rs776120407, gnomAD 0.006%). This variant has not been reported in the literature in individuals affected with WASHC5-related conditions. Invitae Evidence Modeling of protein sequence and biophysical properties (such as structural, functional, and spatial information, amino acid conservation, physicochemical variation, residue mobility, and thermodynamic stability) indicates that this missense variant is not expected to disrupt WASHC5 protein function with a negative predictive value of 80%. In summary, the available evidence is currently insufficient to determine the role of this variant in disease. Therefore, it has been classified as a Variant of Uncertain Significance.